The following is an entry in ClinVar:

ClinVar aggregate classification (germline): Uncertain significance (1 of 4 stars; one submission).

Conditions:
Catecholaminergic polymorphic ventricular tachycardia 1. Also called: RYR2-Related Catecholaminergic Polymorphic Ventricular Tachycardia; VENTRICULAR TACHYCARDIA, STRESS-INDUCED POLYMORPHIC 1; VENTRICULAR TACHYCARDIA, CATECHOLAMINERGIC POLYMORPHIC, 1, WITH OR WITHOUT ATRIAL DYSFUNCTION AND/OR DILATED CARDIOMYOPATHY. Identifiers: Orphanet 3286, MedGen C1631597, MONDO:0011484, OMIM 604772.

Submission:

Labcorp Genetics (formerly Invitae), Labcorp
Classification: Uncertain significance for Catecholaminergic polymorphic ventricular tachycardia 1. Last evaluated: 2020-01-06. Review status: criteria provided, single submitter. Criteria: Invitae Variant Classification Sherloc (09022015). Collection method: clinical testing. Allele origin: germline.
Comment: In summary, the available evidence is currently insufficient to determine the role of this variant in disease. Therefore, it has been classified as a Variant of Uncertain Significance. Algorithms developed to predict the effect of missense changes on protein structure and function (SIFT, PolyPhen-2, Align-GVGD) all suggest that this variant is likely to be disruptive, but these predictions have not been confirmed by published functional studies and their clinical significance is uncertain. This variant has not been reported in the literature in individuals with RYR2-related conditions. This variant is not present in population databases (ExAC no frequency). This sequence change replaces serine with proline at codon 3984 of the RYR2 protein (p.Ser3984Pro). The serine residue is highly conserved and there is a moderate physicochemical difference between serine and proline.

NM_001035.3(RYR2):c.11950T>C (p.Ser3984Pro)

Gene: RYR2 (ryanodine receptor 2; plus strand). Cytogenetic location: 1q43.
Variant type: single nucleotide variant.
Coding change: c.11950T>C on transcript NM_001035.3 (MANE Select); coding-DNA position 11950, T replaced by C.
Protein change: p.Ser3984Pro; replaces serine 3984 with proline.
Molecular consequence: missense variant.
Genome position (GRCh38, 1-based): chr1:237,781,634, T>C. VCF-style: chr1-237781634-T-C. GRCh37 (hg19) VCF-style: chr1-237944934-T-C.
Other names: short protein forms S3984P.
Identifiers: ClinVar variation 1034871 (VCV001034871.48), dbSNP rs1695118126, ClinGen allele CA345410242.